The following is an entry in ClinVar:

NM_001349206.2(LPIN1):c.1110C>A (p.Asn370Lys)

Gene: LPIN1 (lipin 1; plus strand). Cytogenetic location: 2p25.1.
Variant type: single nucleotide variant.
Coding change: c.1110C>A on transcript NM_001349206.2 (MANE Select); coding-DNA position 1110, C replaced by A.
Protein change: p.Asn370Lys; replaces asparagine 370 with lysine.
Molecular consequence: missense variant. On other transcripts: non-coding transcript variant (1).
Genome position (GRCh38, 1-based): chr2:11,782,353, C>A. VCF-style: chr2-11782353-C-A. GRCh37 (hg19) VCF-style: chr2-11922479-C-A.
Other names: c.1020C>A, p.Asn340Lys (NM_001261427.3); c.1257C>A, p.Asn419Lys (NM_001261428.3); c.1002C>A, p.Asn334Lys (NM_001349199.2, NM_001349200.2, NM_001349201.2 and 1 more transcripts); c.1107C>A, p.Asn369Lys (NM_001349202.2, NM_001349203.2); c.1110C>A, p.Asn370Lys (NM_001349204.2, NM_001349205.2); c.1200C>A, p.Asn400Lys (NM_001349207.2); c.1149C>A, p.Asn383Lys (NM_001349208.2); c.1002C>A (NM_145693.1); short protein forms N340K, N369K, N419K, N370K, N383K, N400K, N334K.
Identifiers: ClinVar variation 1440138 (VCV001440138.9), dbSNP rs774861372, ClinGen allele CA1533606.

ClinVar aggregate classification (germline): Uncertain significance. Review status: criteria provided, multiple submitters, no conflicts (2 of 4 stars). 3 submissions from 3 submitters: Uncertain significance (3). Last evaluated 2025-04-11.

Conditions:
Myoglobinuria, acute recurrent, autosomal recessive. Also called: MYOGLOBINURIA, FAMILIAL PAROXYSMAL PARALYTIC; Myoglobinuria, recurrent, autosomal recessive; RHABDOMYOLYSIS, ACUTE RECURRENT. Identifiers: Orphanet 99845, MedGen C1849386, MONDO:0009992, OMIM 268200.
Inborn genetic diseases. Identifiers: MedGen C0950123, MeSH D030342.

Allele frequency attached by ClinVar (database versions not stated): ExAC 0.00004; gnomAD 0.00004.
gnomAD v4.1: 88 of 1,614,096 alleles (0.0055%); highest among the groups gnomAD compares: Non-Finnish European, 0.0061%; no homozygotes.

Submissions (3):

Ambry Genetics
Classification: Uncertain significance for Inborn genetic diseases. Last evaluated: 2025-04-11. Review status: criteria provided, single submitter. Criteria: Ambry Variant Classification Scheme 2023. Collection method: clinical testing. Allele origin: germline.

Labcorp Genetics (formerly Invitae), Labcorp
Classification: Uncertain significance. Last evaluated: 2024-09-02. Review status: criteria provided, single submitter. Criteria: Invitae Variant Classification Sherloc (09022015). Collection method: clinical testing. Allele origin: germline.
Comment: This sequence change replaces asparagine, which is neutral and polar, with lysine, which is basic and polar, at codon 334 of the LPIN1 protein (p.Asn334Lys). This variant is present in population databases (rs774861372, gnomAD 0.03%). This variant has not been reported in the literature in individuals affected with LPIN1-related conditions. ClinVar contains an entry for this variant (Variation ID: 1440138). An algorithm developed to predict the effect of missense changes on protein structure and function (PolyPhen-2) suggests that this variant is likely to be tolerated. In summary, the available evidence is currently insufficient to determine the role of this variant in disease. Therefore, it has been classified as a Variant of Uncertain Significance.

Fulgent Genetics
Classification: Uncertain significance for Myoglobinuria, acute recurrent, autosomal recessive. Last evaluated: 2024-06-13. Review status: criteria provided, single submitter. Criteria: ACMG Guidelines, 2015. Collection method: clinical testing. Allele origin: germline.